The following is an entry in ClinVar:

ClinVar aggregate classification (germline): Uncertain significance. Review status: criteria provided, multiple submitters, no conflicts (2 of 4 stars). 2 submissions from 2 submitters: Uncertain significance (2). Last evaluated 2025-10-21.

Conditions:
Centromeric instability of chromosomes 1,9 and 16 and immunodeficiency (ICF1). Also called: IMMUNE DEFICIENCY, VARIABLE, WITH CENTROMERIC INSTABILITY OF CHROMOSOMES 1, 9, AND 16; IMMUNODEFICIENCY SYNDROME, VARIABLE; CENTROMERIC INSTABILITY, IMMUNODEFICIENCY SYNDROME; Immunodeficiency-centromeric instability-facial anomalies. Identifiers: Orphanet 2268, MedGen C0398788, MONDO:0000133.

Allele frequency attached by ClinVar (database versions not stated): ExAC 0.00002; gnomAD 0.00002; TOPMed 0.00002; gnomAD exomes 0.00003.
gnomAD v4.1: 17 of 1,614,052 alleles (0.0011%); highest among the groups gnomAD compares: Admixed American, 0.012%; no homozygotes.

Submissions (2):

Labcorp Genetics (formerly Invitae), Labcorp
Classification: Uncertain significance for Centromeric instability of chromosomes 1,9 and 16 and immunodeficiency. Last evaluated: 2025-10-21. Review status: criteria provided, single submitter. Criteria: Invitae Variant Classification Sherloc (09022015). Collection method: clinical testing. Allele origin: germline.
Comment: This sequence change replaces glycine, which is neutral and non-polar, with arginine, which is basic and polar, at codon 741 of the DNMT3B protein (p.Gly741Arg). This variant is present in population databases (rs769823434, gnomAD 0.02%). This missense change has been observed in individual(s) with immunodeficiency-centromeric instability-facial anomalies syndrome (PMID: 28128455). ClinVar contains an entry for this variant (Variation ID: 998437). Invitae Evidence Modeling of protein sequence and biophysical properties (such as structural, functional, and spatial information, amino acid conservation, physicochemical variation, residue mobility, and thermodynamic stability) indicates that this missense variant is expected to disrupt DNMT3B protein function with a positive predictive value of 95%. In summary, the available evidence is currently insufficient to determine the role of this variant in disease. Therefore, it has been classified as a Variant of Uncertain Significance.

Blueprint Genetics
Classification: Uncertain significance. Last evaluated: 2022-06-15. Review status: criteria provided, single submitter. Criteria: ACMG Guidelines, 2015. Collection method: clinical testing. Allele origin: germline.

Literature cited by the submitters: PubMed 28128455 (cited by Labcorp Genetics (formerly Invitae), Labcorp).

NM_006892.4(DNMT3B):c.2221G>A (p.Gly741Arg)

Gene: DNMT3B (DNA methyltransferase 3 beta; plus strand). Cytogenetic location: 20q11.21.
Variant type: single nucleotide variant.
Coding change: c.2221G>A on transcript NM_006892.4 (MANE Select); coding-DNA position 2221, G replaced by A.
Protein change: p.Gly741Arg; replaces glycine 741 with arginine.
Molecular consequence: missense variant.
Genome position (GRCh38, 1-based): chr20:32,802,460, G>A. VCF-style: chr20-32802460-G-A. GRCh37 (hg19) VCF-style: chr20-31390266-G-A.
Other names: c.2161G>A, p.Gly721Arg (NM_175849.2, NM_175848.2); c.2197G>A, p.Gly733Arg (NM_175850.3); c.2035G>A, p.Gly679Arg (NM_001207055.2); c.1933G>A, p.Gly645Arg (NM_001207056.2); short protein forms G645R, G679R, G721R, G733R, G741R.
Identifiers: ClinVar variation 998437 (VCV000998437.8), dbSNP rs769823434, ClinGen allele CA9810846.